The following is an entry in ClinVar:

NC_000017.11:g.(?_35118491)_(35118629_?)del

Genes: RAD51D (RAD51 paralog D; minus strand), RAD51L3-RFFL (RAD51L3-RFFL readthrough; minus strand). Cytogenetic location: 17q12.
Variant type: Deletion.
Identifiers: ClinVar variation 583433 (VCV000583433.2).

ClinVar aggregate classification (germline): Pathogenic (1 of 4 stars; one submission).

Conditions:
Breast-ovarian cancer, familial, susceptibility to, 4. Identifiers: Orphanet 145, MedGen C3280345, MONDO:0013669, OMIM 614291.

Submission:

Labcorp Genetics (formerly Invitae), Labcorp
Classification: Pathogenic for Breast-ovarian cancer, familial 4. Last evaluated: 2018-07-27. Review status: criteria provided, single submitter. Criteria: Invitae Variant Classification Sherloc (09022015). Collection method: clinical testing. Allele origin: germline.
Comment: This variant is an out-of-frame deletion of the genomic region encompassing exon 3 of the RAD51D gene. This is expected to create a premature translational stop signal and result in an absent or disrupted protein product. This variant has been observed in an individual affected with ovarian cancer (PMID:Â¬â€ 26681312). Loss-of-function variants in RAD51D are known to be pathogenic (PMID: 21822267). For these reasons, this variant has been classified as Pathogenic.